The following is an entry in ClinVar:

ClinVar aggregate classification (germline): Pathogenic (1 of 4 stars; one submission).

Submission:

Quest Diagnostics Nichols Institute San Juan Capistrano
Classification: Pathogenic. Last evaluated: 2018-09-18. Review status: criteria provided, single submitter. Criteria: Quest Diagnostics criteria. Collection method: clinical testing. Allele origin: germline.
Comment: The variant creates a premature nonsense codon, and is therefore predicted to significantly disrupt the protein structure.Found in at least one symptomatic patient, and not found in general population data.

Literature cited by the submitters: PubMed 26635043.

NM_000518.5(HBB):c.393T>A (p.Tyr131Ter)

Genes: HBB (hemoglobin subunit beta; minus strand), LOC107133510 (origin of replication at HBB; plus strand), LOC110006319 (beta-globin gene 3' regulatory region; plus strand). Cytogenetic location: 11p15.4.
Variant type: single nucleotide variant.
Coding change: c.393T>A on transcript NM_000518.5 (MANE Select); coding-DNA position 393, T replaced by A.
Protein change: p.Tyr131Ter; replaces tyrosine 131 with a stop codon.
Molecular consequence: nonsense.
Genome position (GRCh38, 1-based): chr11:5,225,649, A>T on the plus strand (T>A on the coding strand, the complement: HBB is on the minus strand). VCF-style: chr11-5225649-A-T. GRCh37 (hg19) VCF-style: chr11-5246879-A-T.
Other names: short protein forms Y131*.
Identifiers: ClinVar variation 801192 (VCV000801192.3), dbSNP rs281864530, ClinGen allele CA217112427.